The following is an entry in ClinVar:

NM_018139.3(DNAAF2):c.688T>A (p.Tyr230Asn)

Gene: DNAAF2 (dynein axonemal assembly factor 2; minus strand). Cytogenetic location: 14q21.3.
Variant type: single nucleotide variant.
Coding change: c.688T>A on transcript NM_018139.3 (MANE Select); coding-DNA position 688, T replaced by A.
Protein change: p.Tyr230Asn; replaces tyrosine 230 with asparagine.
Molecular consequence: missense variant.
Genome position (GRCh38, 1-based): chr14:49,634,462, A>T on the plus strand (T>A on the coding strand, the complement: DNAAF2 is on the minus strand). VCF-style: chr14-49634462-A-T. GRCh37 (hg19) VCF-style: chr14-50101180-A-T.
Other names: c.688T>A, p.Tyr230Asn (NM_001083908.2); short protein forms Y230N.
Identifiers: ClinVar variation 3502878 (VCV003502878.1).

ClinVar aggregate classification (germline): Uncertain significance (1 of 4 stars; one submission).

Conditions:
Primary ciliary dyskinesia. Also called: Ciliary dyskinesia. Identifiers: Orphanet 244, MedGen C0008780, MONDO:0016575, HP:0012265.

Submission:

Ambry Genetics
Classification: Uncertain significance for Primary ciliary dyskinesia. Last evaluated: 2024-10-21. Review status: criteria provided, single submitter. Criteria: Ambry Variant Classification Scheme 2023. Collection method: clinical testing. Allele origin: germline.
Comment: The p.Y230N variant (also known as c.688T>A), located in coding exon 1 of the DNAAF2 gene, results from a T to A substitution at nucleotide position 688. The tyrosine at codon 230 is replaced by asparagine, an amino acid with dissimilar properties. This amino acid position is conserved. In addition, this alteration is predicted to be tolerated by in silico analysis. Based on the available evidence, the clinical significance of this variant remains unclear.